The following is an entry in ClinVar:

NM_002661.5(PLCG2):c.1952T>C (p.Leu651Pro)

Gene: PLCG2 (phospholipase C gamma 2; plus strand). Cytogenetic location: 16q23.3.
Variant type: single nucleotide variant.
Coding change: c.1952T>C on transcript NM_002661.5 (MANE Select); coding-DNA position 1952, T replaced by C.
Protein change: p.Leu651Pro; replaces leucine 651 with proline.
Molecular consequence: missense variant.
Genome position (GRCh38, 1-based): chr16:81,912,614, T>C. VCF-style: chr16-81912614-T-C. GRCh37 (hg19) VCF-style: chr16-81946219-T-C.
Other names: short protein forms L651P.
Identifiers: ClinVar variation 1348225 (VCV001348225.8), dbSNP rs2143663242, ClinGen allele CA396901245.
Genomic context (GRCh38, chr16:81,912,614, plus strand): 5'-GGAGACCGCTCACCTGGTCGTTTTCCCTGGCCCTGTGCCGCAGGTGGTACTATGACAGCC[T>C]GAGCCGCGGAGAGGCAGAGGACATGCTGATGAGGATTCCCCGGGACGGGGCCTTCCTGAT-3'
Protein context (NP_002652.2, residues 641-661): HESKPWYYDS[Leu651Pro]SRGEAEDMLM

ClinVar aggregate classification (germline): Uncertain significance (1 of 4 stars; one submission).

Conditions:
Familial cold autoinflammatory syndrome 3 (FCAS3). Also called: FAMILIAL ATYPICAL COLD URTICARIA; ANTIBODY DEFICIENCY AND IMMUNE DYSREGULATION, PLCG2-ASSOCIATED. Identifiers: Orphanet 300359, MedGen C3280914, MONDO:0013766, OMIM 614468.

Submission:

Labcorp Genetics (formerly Invitae), Labcorp
Classification: Uncertain significance for Familial cold autoinflammatory syndrome 3. Last evaluated: 2021-03-07. Review status: criteria provided, single submitter. Criteria: Invitae Variant Classification Sherloc (09022015). Collection method: clinical testing. Allele origin: germline.
Comment: This variant has not been reported in the literature in individuals with PLCG2-related conditions. This sequence change replaces leucine with proline at codon 651 of the PLCG2 protein (p.Leu651Pro). The leucine residue is highly conserved and there is a moderate physicochemical difference between leucine and proline. This variant is not present in population databases (ExAC no frequency). Algorithms developed to predict the effect of missense changes on protein structure and function are either unavailable or do not agree on the potential impact of this missense change (SIFT: "Tolerated"; PolyPhen-2: "Probably Damaging"; Align-GVGD: "Class C0"). In summary, the available evidence is currently insufficient to determine the role of this variant in disease. Therefore, it has been classified as a Variant of Uncertain Significance.